The following is an entry in ClinVar:

ClinVar aggregate classification (germline): Pathogenic (1 of 4 stars; one submission).

Submission:

Labcorp Genetics (formerly Invitae), Labcorp
Classification: Pathogenic. Last evaluated: 2026-01-08. Review status: criteria provided, single submitter. Criteria: Invitae Variant Classification Sherloc (09022015). Collection method: clinical testing. Allele origin: germline.
Comment: This sequence change disrupts the translational stop signal of the PRPF8 mRNA. It is expected to extend the length of the PRPF8 protein by 41 additional amino acid residues. This variant is not present in population databases (gnomAD no frequency). This protein extension has been observed in individuals with clinical features of retinitis pigmentosa (PMID: 31630094, 33576794; internal data). It has also been observed to segregate with disease in related individuals. ClinVar contains an entry for this variant (Variation ID: 1066917). This variant results in an extension of the PRPF8 protein. Other variant(s) that result in a similarly extended protein product (p.*2336Trpext*41) have been determined to be pathogenic (PMID: 26496393). This suggests that these extensions are likely to be disease-causing. For these reasons, this variant has been classified as Pathogenic.

Literature cited by the submitters: PubMed 31630094; PubMed 33576794; PubMed 26496393.

NM_006445.4(PRPF8):c.7007G>C (p.Ter2336Ser)

Gene: PRPF8 (pre-mRNA processing factor 8; minus strand). Cytogenetic location: 17p13.3.
Variant type: single nucleotide variant.
Coding change: c.7007G>C on transcript NM_006445.4 (MANE Select); coding-DNA position 7007, G replaced by C.
Protein change: p.Ter2336Ser.
Molecular consequence: stop lost.
Genome position (GRCh38, 1-based): chr17:1,650,803, C>G on the plus strand (G>C on the coding strand, the complement: PRPF8 is on the minus strand). VCF-style: chr17-1650803-C-G. GRCh37 (hg19) VCF-style: chr17-1554097-C-G.
Identifiers: ClinVar variation 1066917 (VCV001066917.5), dbSNP rs778438685, ClinGen allele CA397561645.